The following is an entry in ClinVar:

NM_000153.4(GALC):c.166G>C (p.Asp56His)

Genes: GALC (galactosylceramidase; minus strand), LOC130056217 (ATAC-STARR-seq lymphoblastoid silent region 5988; plus strand). Cytogenetic location: 14q31.3.
Variant type: single nucleotide variant.
Coding change: c.166G>C on transcript NM_000153.4 (MANE Select); coding-DNA position 166, G replaced by C.
Protein change: p.Asp56His; replaces aspartic acid 56 with histidine.
Molecular consequence: missense variant. On other transcripts: 5 prime UTR variant (3), non-coding transcript variant (1), intron variant (2).
Genome position (GRCh38, 1-based): chr14:87,992,999, C>G on the plus strand (G>C on the coding strand, the complement: GALC is on the minus strand). VCF-style: chr14-87992999-C-G. GRCh37 (hg19) VCF-style: chr14-88459343-C-G.
Other names: c.166G>C, p.Asp56His (NM_001201401.2); c.-105G>C (NM_001424072.1); c.-271G>C (NM_001424075.1); c.-502G>C (NM_001424077.1); c.-473+384G>C (NM_001424076.1); c.117+384G>C (NM_001201402.2); short protein forms D56H.
Identifiers: ClinVar variation 2972728 (VCV002972728.3), dbSNP rs906992891, ClinGen allele CA390771706.
Genomic context (GRCh38, chr14:87,992,999, plus strand): 5'-CCCCCGCGTATCCCCGCAGCTTGCCGCTCACCCCGCCGCCGCTGACCGCGCCGATGCCGT[C>G]GAACTCCCGGCCCAGCCCGTCGGAGTCGTCGAGCACGTACGCGCCGCCGGGCGCCAGCAG-3'
Protein context (NP_000144.2, residues 46-66): DDSDGLGREF[Asp56His]GIGAVSGGGA

ClinVar aggregate classification (germline): Pathogenic (1 of 4 stars; one submission).

Conditions:
Galactosylceramide beta-galactosidase deficiency. Also called: Leukodystrophy, Globoid Cell; Krabbe Disease; GALACTOCEREBROSIDASE DEFICIENCY; GALC DEFICIENCY; GLOBOID CELL LEUKOENCEPHALOPATHY. Identifiers: Orphanet 487, MedGen C0023521, MONDO:0009499, OMIM 245200.

Submission:

Labcorp Genetics (formerly Invitae), Labcorp
Classification: Pathogenic for Galactosylceramide beta-galactosidase deficiency. Last evaluated: 2023-10-08. Review status: criteria provided, single submitter. Criteria: Invitae Variant Classification Sherloc (09022015). Collection method: clinical testing. Allele origin: germline.
Comment: This sequence change replaces aspartic acid, which is acidic and polar, with histidine, which is basic and polar, at codon 56 of the GALC protein (p.Asp56His). This variant is not present in population databases (gnomAD no frequency). This missense change has been observed in individual(s) with leukodystrophy (PMID: 31885218). In at least one individual the data is consistent with being in trans (on the opposite chromosome) from a pathogenic variant. Advanced modeling of protein sequence and biophysical properties (such as structural, functional, and spatial information, amino acid conservation, physicochemical variation, residue mobility, and thermodynamic stability) performed at Invitae indicates that this missense variant is expected to disrupt GALC protein function. For these reasons, this variant has been classified as Pathogenic.

Literature cited by the submitters: PubMed 31885218.